The following is an entry in ClinVar:

ClinVar aggregate classification (germline): Pathogenic (1 of 4 stars; one submission).

Submission:

Labcorp Genetics (formerly Invitae), Labcorp
Classification: Pathogenic. Last evaluated: 2023-01-06. Review status: criteria provided, single submitter. Criteria: Invitae Variant Classification Sherloc (09022015). Collection method: clinical testing. Allele origin: germline.
Comment: This variant is not present in population databases (gnomAD no frequency). This sequence change creates a premature translational stop signal (p.Glu123*) in the MESP2 gene. It is expected to result in an absent or disrupted protein product. Loss-of-function variants in MESP2 are known to be pathogenic (PMID: 9242490, 18485326). For these reasons, this variant has been classified as Pathogenic. This premature translational stop signal has been observed in individual(s) with clinical features of spondylocostal dysostosis (PMID: 29459493).

Literature cited by the submitters: PubMed 9242490; PubMed 18485326; PubMed 29459493.

NM_001039958.2(MESP2):c.367G>T (p.Glu123Ter)

Genes: MESP2 (mesoderm posterior bHLH transcription factor 2; plus strand), LOC130057891 (ATAC-STARR-seq lymphoblastoid silent region 6806; plus strand). Cytogenetic location: 15q26.1.
Variant type: single nucleotide variant.
Coding change: c.367G>T on transcript NM_001039958.2 (MANE Select); coding-DNA position 367, G replaced by T.
Protein change: p.Glu123Ter; replaces glutamic acid 123 with a stop codon.
Molecular consequence: nonsense.
Genome position (GRCh38, 1-based): chr15:89,776,724, G>T. VCF-style: chr15-89776724-G-T. GRCh37 (hg19) VCF-style: chr15-90319955-G-T.
Other names: short protein forms E123*.
Identifiers: ClinVar variation 2910384 (VCV002910384.3), dbSNP rs2141774796, ClinGen allele CA393769873.